The following is an entry in ClinVar:

ClinVar aggregate classification (germline): Benign (1 of 4 stars; one submission).

Conditions:
Pyridoxal phosphate-responsive seizures (PNPOD). Also called: Pyridoxal 5'-Phosphate (PLP)-Dependent Epilepsy; EPILEPTIC ENCEPHALOPATHY, NEONATAL, PNPO-RELATED; Pyridoxamine 5-Prime-Phosphate Oxidase Deficiency; Pyridoxine-5'-phosphate oxidase deficiency; SEIZURES, PYRIDOXINE-RESISTANT, PLP-SENSITIVE. Identifiers: Orphanet 79096, MedGen C1864723, MONDO:0012407, OMIM 610090. Disease mechanism: loss of function.

Allele frequency attached by ClinVar (database versions not stated): TOPMed 0.09099; gnomAD 0.09285 and 0.09388; gnomAD exomes 0.09756; 1000 Genomes Project 30x 0.10665; 1000 Genomes Project 0.11322.
gnomAD v4.1: 14,423 of 152,254 alleles (9.5%); highest among the groups gnomAD compares: East Asian, 22%; 807 homozygotes.

Submission:

Illumina Laboratory Services, Illumina
Classification: Benign for Pyridoxal phosphate-responsive seizures. Last evaluated: 2018-01-13. Review status: criteria provided, single submitter. Criteria: ICSL Variant Classification Criteria 13 December 2019. Collection method: clinical testing. Allele origin: germline.
Comment: This variant was observed in the ICSL laboratory as part of a predisposition screen in an ostensibly healthy population. It had not been previously curated by ICSL or reported in the Human Gene Mutation Database (HGMD: prior to June 1st, 2018), and was therefore a candidate for classification through an automated scoring system. Utilizing variant allele frequency, disease prevalence and penetrance estimates, and inheritance mode, an automated score was calculated to assess if this variant is too frequent to cause the disease. Based on the score and internal cut-off values, a variant classified as benign is not then subjected to further curation. The score for this variant resulted in a classification of benign for this disease.

NM_018129.4(PNPO):c.*1883G>C

Gene: PNPO (pyridoxamine 5'-phosphate oxidase; plus strand). Cytogenetic location: 17q21.32.
Variant type: single nucleotide variant.
Coding change: c.*1883G>C on transcript NM_018129.4 (MANE Select); 1883 bases downstream of the stop codon, G replaced by C.
Molecular consequence: 3 prime UTR variant.
Genome position (GRCh38, 1-based): chr17:47,948,665, G>C. VCF-style: chr17-47948665-G-C. GRCh37 (hg19) VCF-style: chr17-46026031-G-C.
Identifiers: ClinVar variation 323939 (VCV000323939.5), dbSNP rs1986694, ClinGen allele CA10649584.
Genomic context (GRCh38, chr17:47,948,665, plus strand): 5'-TTAGAGATTCAGACCCCAGACCCACTGAATCTGACCCTGCATTTTCACTAGACCCCAGGT[G>C]ATCAGCTGCACTAGACTCAACCTCTAAACCAAGACCTCCCACCCTCACAGTCTATGATCC-3'